The following is an entry in ClinVar:

ClinVar aggregate classification (germline): Conflicting classifications of pathogenicity. Review status: criteria provided, conflicting classifications (1 of 4 stars). 3 submissions from 3 submitters: Likely pathogenic (1); Uncertain significance (1). 1 of the submissions does not count toward it. Last evaluated 2025-09-08.

Conditions:
CERKL-related disorders.
Retinitis pigmentosa 26 (RP26). Identifiers: Orphanet 791, MedGen C1842127, MONDO:0012024, OMIM 608380.

Allele frequency attached by ClinVar (database versions not stated): TOPMed below 0.00001.
gnomAD v4.1: 1 of 1,614,020 alleles (0.000062%); no homozygotes.

Submissions (3):

Labcorp Genetics (formerly Invitae), Labcorp
Classification: Uncertain significance. Last evaluated: 2025-09-08. Review status: criteria provided, single submitter. Criteria: Invitae Variant Classification Sherloc (09022015). Collection method: clinical testing. Allele origin: germline.
Comment: This sequence change replaces phenylalanine, which is neutral and non-polar, with serine, which is neutral and polar, at codon 374 of the CERKL protein (p.Phe374Ser). This variant is not present in population databases (gnomAD no frequency). This variant has not been reported in the literature in individuals affected with CERKL-related conditions. ClinVar contains an entry for this variant (Variation ID: 1026139). Invitae Evidence Modeling of protein sequence and biophysical properties (such as structural, functional, and spatial information, amino acid conservation, physicochemical variation, residue mobility, and thermodynamic stability) indicates that this missense variant is expected to disrupt CERKL protein function with a positive predictive value of 95%. In summary, the available evidence is currently insufficient to determine the role of this variant in disease. Therefore, it has been classified as a Variant of Uncertain Significance.

Blueprint Genetics
Classification: Likely pathogenic for CERKL-related disorders. Last evaluated: 2024-10-21. Review status: criteria provided, single submitter. Criteria: ACMG Guidelines, 2015. Collection method: clinical testing. Allele origin: germline. Affected: yes. Observed: 5 variant alleles.

Natera, Inc.
Classification: Uncertain significance for Retinitis Pigmentosa 26. Last evaluated: 2020-01-24. Review status: no assertion criteria provided. Collection method: clinical testing. Allele origin: germline. Not counted in ClinVar's aggregate classification.

NM_201548.5(CERKL):c.1043T>C (p.Phe348Ser)

Gene: CERKL (CERK like autophagy regulator; minus strand). Cytogenetic location: 2q31.3.
Variant type: single nucleotide variant.
Coding change: c.1043T>C on transcript NM_201548.5 (MANE Select); coding-DNA position 1043, T replaced by C.
Protein change: p.Phe348Ser; replaces phenylalanine 348 with serine.
Molecular consequence: missense variant. On other transcripts: non-coding transcript variant (2).
Genome position (GRCh38, 1-based): chr2:181,548,710, A>G on the plus strand (T>C on the coding strand, the complement: CERKL is on the minus strand). VCF-style: chr2-181548710-A-G. GRCh37 (hg19) VCF-style: chr2-182413437-A-G.
Other names: c.1121T>C, p.Phe374Ser (NM_001030311.3); c.704T>C, p.Phe235Ser (NM_001030312.3); c.836T>C, p.Phe279Ser (NM_001030313.3); c.989T>C, p.Phe330Ser (NM_001160277.2); short protein forms F235S, F279S, F330S, F348S, F374S.
Identifiers: ClinVar variation 1026139 (VCV001026139.9), dbSNP rs1687844821, ClinGen allele CA349736876.